The following is an entry in ClinVar:

NM_000545.8(HNF1A):c.319C>G (p.Leu107Val)

Gene: HNF1A (HNF1 homeobox A; plus strand). Cytogenetic location: 12q24.31.
Variant type: single nucleotide variant.
Coding change: c.319C>G on transcript NM_000545.8 (MANE Select); coding-DNA position 319, C replaced by G.
Protein change: p.Leu107Val; replaces leucine 107 with valine.
Molecular consequence: missense variant.
Genome position (GRCh38, 1-based): chr12:120,979,087, C>G. VCF-style: chr12-120979087-C-G. GRCh37 (hg19) VCF-style: chr12-121416890-C-G.
Other names: NM_001306179.2:c.319C>G; c.319C>G, p.Leu107Val (NM_001306179.2, NM_001406915.1); short protein forms L107V.
Identifiers: ClinVar variation 3024563 (VCV003024563.2), dbSNP rs2135820404, ClinGen allele CA386954870.

ClinVar aggregate classification (germline): Pathogenic. Review status: reviewed by expert panel (3 of 4 stars). 2 submissions from 2 submitters: Pathogenic (1). 1 of the submissions does not count toward it. Last evaluated 2021-09-10.

Conditions:
Monogenic diabetes. Identifiers: Orphanet 183625, MedGen C3888631, MONDO:0015967.

Submissions (2):

ClinGen Monogenic Diabetes Variant Curation Expert Panel
Classification: Pathogenic for Monogenic diabetes. Last evaluated: 2021-09-10. Review status: reviewed by expert panel. Criteria: ClinGen Diabetes ACMG Specifications HNF1A V2.1.0. Collection method: curation. Allele origin: germline. Inheritance: Autosomal dominant inheritance.
Comment: The c.319C>G variant in the HNF1 homeobox A gene, HNF1A, causes an amino acid change of leucine to valine at codon 107 (p.(Leu107Val)) of NM_000545.8. This variant is located within the DNA binding domain (codons 107-174) of HNF1A, which is defined as critical for the protein’s function by the ClinGen MDEP (PM1_Supporting). It is predicted to be deleterious by computational evidence, with a REVEL score of 0.8209, which is greater than the MDEP threshold of 0.70 (PP3). This variant is absent in gnomAD v2.1.1 (PM2_Supporting), and was identified in two unrelated individuals with non-autoimmune and non-absolute/near-absolute insulin-deficient diabetes; however, PS4_Moderate cannot be applied because this number is below the ClinGen MDEP threshold (internal lab contributors). This variant segregated with diabetes with four informative meioses in two families (PP1_Strong; internal lab contributors). One of the individuals has a clinical history highly specific for HNF1A-MODY (MODY probability calculator result >50%, negative HNF4A testing, and antibody negative) (PP4_Moderate; internal lab contributor). Additionally, another missense variant, c.319C>A (p.Leu107Ile), has been classified as likely pathogenic by the ClinGen MDEP (PM5_Supporting). In summary, c.319C>G meets the criteria to be classified as pathogenic for monogenic diabetes. ACMG/AMP criteria applied, as specified by the ClinGen MDEP (specification version 1.0, approved 8/18/21): PP1_Strong, PP4_Moderate, PP3, PM1_Supporting, PM2_Supporting, PM5_Supporting.

Labcorp Genetics (formerly Invitae), Labcorp
Classification: Uncertain significance. Last evaluated: 2025-11-28. Review status: criteria provided, single submitter. Criteria: Invitae Variant Classification Sherloc (09022015). Collection method: clinical testing. Allele origin: germline. Not counted in ClinVar's aggregate classification.
Comment: This sequence change replaces leucine, which is neutral and non-polar, with valine, which is neutral and non-polar, at codon 107 of the HNF1A protein (p.Leu107Val). This variant is not present in population databases (gnomAD no frequency). This missense change has been observed in individual(s) with maturity-onset diabetes of the young (PMID: 18003757, 34789499, 36257325). ClinVar contains an entry for this variant (Variation ID: 3024563). Invitae Evidence Modeling of protein sequence and biophysical properties (such as structural, functional, and spatial information, amino acid conservation, physicochemical variation, residue mobility, and thermodynamic stability) indicates that this missense variant is not expected to disrupt HNF1A protein function with a negative predictive value of 80%. This variant disrupts the p.Leu107 amino acid residue in HNF1A. Other variant(s) that disrupt this residue have been determined to be pathogenic (PMID: 9166684). This suggests that this residue is clinically significant, and that variants that disrupt this residue are likely to be disease-causing. In summary, the available evidence is currently insufficient to determine the role of this variant in disease. Therefore, it has been classified as a Variant of Uncertain Significance.

Literature cited by the submitters: PubMed 18003757 (cited by Labcorp Genetics (formerly Invitae), Labcorp); PubMed 34789499 (cited by Labcorp Genetics (formerly Invitae), Labcorp); PubMed 36257325 (cited by Labcorp Genetics (formerly Invitae), Labcorp); PubMed 9166684 (cited by Labcorp Genetics (formerly Invitae), Labcorp).